The following is an entry in ClinVar:

NM_003072.5(SMARCA4):c.622C>T (p.Arg208Trp)

Gene: SMARCA4 (SWI/SNF related BAF chromatin remodeling complex subunit ATPase 4; plus strand). Cytogenetic location: 19p13.2.
Variant type: single nucleotide variant.
Coding change: c.622C>T on transcript NM_003072.5 (MANE Select); coding-DNA position 622, C replaced by T.
Protein change: p.Arg208Trp; replaces arginine 208 with tryptophan.
Molecular consequence: missense variant. On other transcripts: non-coding transcript variant (1).
Genome position (GRCh38, 1-based): chr19:10,986,455, C>T. VCF-style: chr19-10986455-C-T. GRCh37 (hg19) VCF-style: chr19-11097131-C-T.
Other names: c.622C>T, p.Arg208Trp (NM_001128844.3, NM_001128845.2, NM_001128846.2 and 5 more transcripts); short protein forms R208W.
Identifiers: ClinVar variation 484934 (VCV000484934.20), dbSNP rs748298484, ClinGen allele CA9203533.

ClinVar aggregate classification (germline): Uncertain significance. Review status: criteria provided, multiple submitters, no conflicts (2 of 4 stars). 5 submissions from 5 submitters: Uncertain significance (5). Last evaluated 2025-07-30.

Conditions:
Intellectual disability, autosomal dominant 16 (CSS4). Also called: COFFIN-SIRIS SYNDROME 4. Identifiers: Orphanet 1465, MedGen C3553249, MONDO:0013821, OMIM 614609.
Hereditary cancer-predisposing syndrome. Also called: Neoplastic Syndromes, Hereditary; Tumor predisposition; Hereditary Cancer Syndrome; Hereditary neoplastic syndrome. Identifiers: Orphanet 140162, MedGen C0027672, MeSH D009386, MONDO:0015356.
Rhabdoid tumor predisposition syndrome 2 (RTPS2). Identifiers: Orphanet 231108, Orphanet 69077, MedGen C2750074, MONDO:0013224, OMIM 613325.

Allele frequency attached by ClinVar (database versions not stated): ExAC below 0.00001; gnomAD 0.00001; gnomAD exomes 0.00001.
gnomAD v4.1: 10 of 1,560,212 alleles (0.00064%); highest among the groups gnomAD compares: Admixed American, 0.0039%; no homozygotes.

Submissions (5):

Labcorp Genetics (formerly Invitae), Labcorp
Classification: Uncertain significance for Rhabdoid tumor predisposition syndrome 2. Last evaluated: 2025-07-30. Review status: criteria provided, single submitter. Criteria: Invitae Variant Classification Sherloc (09022015). Collection method: clinical testing. Allele origin: germline.
Comment: This sequence change replaces arginine, which is basic and polar, with tryptophan, which is neutral and slightly polar, at codon 208 of the SMARCA4 protein (p.Arg208Trp). This variant is not present in population databases (gnomAD no frequency). This variant has not been reported in the literature in individuals affected with SMARCA4-related conditions. ClinVar contains an entry for this variant (Variation ID: 484934). Invitae Evidence Modeling of protein sequence and biophysical properties (such as structural, functional, and spatial information, amino acid conservation, physicochemical variation, residue mobility, and thermodynamic stability) has been performed for this missense variant. However, the output from this modeling did not meet the statistical confidence thresholds required to predict the impact of this variant on SMARCA4 protein function. In summary, the available evidence is currently insufficient to determine the role of this variant in disease. Therefore, it has been classified as a Variant of Uncertain Significance.

Ambry Genetics
Classification: Uncertain significance for Hereditary cancer-predisposing syndrome. Last evaluated: 2025-01-08. Review status: criteria provided, single submitter. Criteria: Ambry Variant Classification Scheme 2023. Collection method: clinical testing. Allele origin: germline.
Comment: The p.R208W variant (also known as c.622C>T), located in coding exon 3 of the SMARCA4 gene, results from a C to T substitution at nucleotide position 622. The arginine at codon 208 is replaced by tryptophan, an amino acid with dissimilar properties. This variant has been detected in multiple individuals with no reported features of SMARCA4-associated Coffin-Siris syndrome (Ambry internal data). This amino acid position is highly conserved in available vertebrate species. In addition, the in silico prediction for this alteration is inconclusive. Based on the supporting evidence, the association of this alteration with rhabdoid tumor predisposition syndrome is unknown; however, the association of this alteration with Coffin-Siris syndrome is unlikely.

Baylor Genetics
Classification: Uncertain significance for Rhabdoid tumor predisposition syndrome 2. Last evaluated: 2023-12-19. Review status: criteria provided, single submitter. Criteria: ACMG Guidelines, 2015. Collection method: clinical testing. Allele origin: unknown.

Quest Diagnostics Nichols Institute San Juan Capistrano
Classification: Uncertain significance. Last evaluated: 2023-01-07. Review status: criteria provided, single submitter. Criteria: Quest Diagnostics criteria. Collection method: clinical testing. Allele origin: unknown.
Comment: The variant has not been reported in the published literature. The frequency of this variant in the general population, 0.0000066 (1/152208 chromosomes), is uninformative in assessment of its pathogenicity. Analysis of this variant using bioinformatics tools for the prediction of the effect of amino acid changes on protein structure and function yielded predictions that this variant is damaging. Based on the available information, we are unable to determine the clinical significance of this variant.

Genome-Nilou Lab
Classification: Uncertain significance for Intellectual disability, autosomal dominant 16. Last evaluated: 2021-07-15. Review status: criteria provided, single submitter. Criteria: ACMG Guidelines, 2015. Collection method: clinical testing. Allele origin: germline. Affected: no.